The following is an entry in ClinVar:

ClinVar aggregate classification (germline): Pathogenic. Review status: reviewed by expert panel (3 of 4 stars). 4 submissions from 4 submitters: Pathogenic (1). 3 of the submissions do not count toward it. Last evaluated 2023-08-25.

Conditions:
CDH1-related diffuse gastric and lobular breast cancer syndrome. Also called: CDH1-related diffuse gastric and lobular breast cancer. Identifiers: MedGen CN311521, MONDO:0100488.
Hereditary cancer-predisposing syndrome. Also called: Neoplastic Syndromes, Hereditary; Hereditary neoplastic syndrome; Tumor predisposition; Hereditary Cancer Syndrome. Identifiers: Orphanet 140162, MedGen C0027672, MeSH D009386, MONDO:0015356.
Hereditary diffuse gastric adenocarcinoma (HDGC). Also called: DIFFUSE GASTRIC AND LOBULAR BREAST CANCER SYNDROME. Identifiers: Orphanet 26106, MedGen C1708349, MONDO:0007648, OMIM 137215.

Submissions (4):

Clingen Gastric Cancer Variant Curation Expert Panel
Classification: Pathogenic for CDH1-related diffuse gastric and lobular breast cancer syndrome. Last evaluated: 2023-08-25. Review status: reviewed by expert panel. Criteria: ClinGen CDH1 ACMG Specifications V3.1. Collection method: curation. Allele origin: germline. Inheritance: Autosomal dominant inheritance.
Comment: The c.2T>G (p.Met1Arg) variant alters the start codon of the CDH1 coding sequence and is predicted to lead to an absent protein (PVS1). This variant is absent in the gnomAD cohort (PM2_supporting). This variant has been reported in two probands/families meeting HDGC clinical criteria (PS4_Moderate; SCV000760846.2 and internal laboratory contributor). In summary, this variant meets criteria to be classified as pathogenic based on the ACMG/AMP Variant Interpretation Guidelines Version 2 as specified by the CDH1 Variant Curation Expert Panel (v3.1): PVS1, PM2_supporting, PS4_Moderate.

Color Diagnostics, LLC DBA Color Health
Classification: Pathogenic for Hereditary cancer-predisposing syndrome. Last evaluated: 2025-02-18. Review status: criteria provided, single submitter. Criteria: ACMG Guidelines, 2015. Collection method: clinical testing. Allele origin: germline. Not counted in ClinVar's aggregate classification.
Comment: This variant results in the loss of the translation start codon (methionine at codon 1) of the CDH1 gene. This variant is expected to disrupt the expression of the full-length CDH1 protein. Variants at the initiator codon (c.1A>G, c.2T>C, c.3G>C, c.3G>A) that result in the loss of p.Met1 have been observed in families affected with diffuse gastric cancer (PMID: 16061854, 20373070, 26182300) and lobular breast cancer (PMID: 28202063). This variant has not been identified in the general population by the Genome Aggregation Database (gnomAD). Loss of CDH1 function is a known mechanism of disease. Based on the available evidence, this variant is classified as Pathogenic.

Myriad Genetics, Inc.
Classification: Likely pathogenic for Hereditary diffuse gastric adenocarcinoma. Last evaluated: 2023-06-08. Review status: criteria provided, single submitter. Criteria: Myriad Autosomal Dominant, Autosomal Recessive and X-Linked Classification Criteria (2023). Collection method: clinical testing. Allele origin: unknown. Not counted in ClinVar's aggregate classification.
Comment: This variant is considered likely pathogenic. This variant is located within the gene translation start codon (p.Met1?) and is predicted to result in abnormal protein translation.

Labcorp Genetics (formerly Invitae), Labcorp
Classification: Pathogenic for Hereditary diffuse gastric adenocarcinoma. Last evaluated: 2020-11-27. Review status: criteria provided, single submitter. Criteria: Invitae Variant Classification Sherloc (09022015). Collection method: clinical testing. Allele origin: germline. Not counted in ClinVar's aggregate classification.
Comment: Several variants affecting the initiator methionine of the CDH1 mRNA (c.1A>G, c.2T>C, c.3G>C, c.3G>A) have been observed in individuals with a personal or family history of diffuse gastric cancer and/or lobular breast cancer (PMID: 28202063, 16061854, 20373070, Invitae). This suggests that variants that disrupt the initiator codon of the CDH1 protein are likely to be causative of disease. For these reasons, this variant has been classified as Pathogenic. Functional studies for this variant have not been reported. However, translation rescue by the downstream methionine at codon 246 would delete most of the first extracellular cadherin (EC1) domain (amino acid residues 155-262). This domain is important for the formation of intermolecular interactions with other CDH1 molecules to establish cell-cell junctions (PMID: 18726070, 2317870, 20066110). This variant has not been reported in the literature in individuals with CDH1-related disease. ClinVar contains an entry for this variant (Variation ID: 532474). While this variant is not present in population databases, the frequency information is unreliable, as metrics indicate poor data quality at this position in the ExAC database. This sequence change affects the initiator methionine of the CDH1 mRNA. The next in-frame methionine is located at codon 246.

Literature cited by the submitters: PubMed 16061854 (cited by Color Diagnostics, LLC DBA Color Health and Labcorp Genetics (formerly Invitae), Labcorp); PubMed 20373070 (cited by Color Diagnostics, LLC DBA Color Health and Labcorp Genetics (formerly Invitae), Labcorp); PubMed 26182300 (cited by Color Diagnostics, LLC DBA Color Health); PubMed 28202063 (cited by Color Diagnostics, LLC DBA Color Health and Labcorp Genetics (formerly Invitae), Labcorp); PubMed 18726070 (cited by Labcorp Genetics (formerly Invitae), Labcorp); PubMed 2317870 (cited by Labcorp Genetics (formerly Invitae), Labcorp); PubMed 20066110 (cited by Labcorp Genetics (formerly Invitae), Labcorp).

NM_004360.5(CDH1):c.2T>G (p.Met1Arg)

Gene: CDH1 (cadherin 1; plus strand). Cytogenetic location: 16q22.1.
Variant type: single nucleotide variant.
Coding change: c.2T>G on transcript NM_004360.5 (MANE Select); coding-DNA position 2, T replaced by G.
Protein change: p.Met1Arg; changes the start codon (methionine 1).
Molecular consequence: missense variant, initiator codon variant. On other transcripts: 5 prime UTR variant (2).
Genome position (GRCh38, 1-based): chr16:68,737,417, T>G. VCF-style: chr16-68737417-T-G. GRCh37 (hg19) VCF-style: chr16-68771320-T-G.
Other names: NM_004360.5(CDH1):c.2T>G; p.Met1Arg; c.2T>G (LRG_301t1); c.2T>G, p.Met1Arg (NM_001317184.2); c.-1614T>G (NM_001317185.2); c.-1818T>G (NM_001317186.2); short protein forms M1R.
Identifiers: ClinVar variation 532474 (VCV000532474.18), dbSNP rs1555509623, ClinGen allele CA396451182.